The following is an entry in ClinVar:

NM_004415.4(DSP):c.1903+4G>A

Gene: DSP (desmoplakin; plus strand). Cytogenetic location: 6p24.3.
Variant type: single nucleotide variant.
Coding change: c.1903+4G>A on transcript NM_004415.4 (MANE Select); 4 bases into the intron after coding-DNA position 1903, G replaced by A.
Molecular consequence: intron variant.
Genome position (GRCh38, 1-based): chr6:7,571,588, G>A. VCF-style: chr6-7571588-G-A. GRCh37 (hg19) VCF-style: chr6-7571821-G-A.
Other names: c.1903+4G>A (NM_001319034.2, NM_001008844.3).
Identifiers: ClinVar variation 908965 (VCV000908965.38), dbSNP rs757726608, ClinGen allele CA030562.

ClinVar aggregate classification (germline): Conflicting classifications of pathogenicity. Review status: criteria provided, conflicting classifications (1 of 4 stars). 10 submissions from 8 submitters: Uncertain significance (6); Likely benign (2). 2 of the submissions do not count toward it. Last evaluated 2026-06-16.

Conditions:
Cardiovascular phenotype. Identifiers: MedGen CN230736.
Arrhythmogenic right ventricular dysplasia 8 (ARVD8). Also called: ARRHYTHMOGENIC RIGHT VENTRICULAR DYSPLASIA, FAMILIAL, 8; ARRHYTHMOGENIC RIGHT VENTRICULAR CARDIOMYOPATHY 8; Arrhythmogenic Right Ventricular Dysplasia/Cardiomyopathy 8. Identifiers: MedGen C1843896, MONDO:0011831, OMIM 607450.
Arrhythmogenic cardiomyopathy with wooly hair and keratoderma. Also called: PALMOPLANTAR KERATODERMA WITH LEFT VENTRICULAR CARDIOMYOPATHY AND WOOLLY HAIR; Dilated cardiomyopathy with woolly hair and keratoderma; Carvajal syndrome; Arrhythmogenic cardiomyopathy with woolly hair and keratoderma. Identifiers: Orphanet 65282, MedGen C1854063, MONDO:0011581, OMIM 605676.
Lethal acantholytic epidermolysis bullosa (EBLA). Identifiers: Orphanet 158687, MedGen C1864826, MONDO:0012323, OMIM 609638.
Woolly hair-skin fragility syndrome (WHSF). Identifiers: Orphanet 293165, MedGen C1843292, MONDO:0957307, OMIM 620415.
Cardiomyopathy (CMYO). Also called: Cardiomyopathies. Identifiers: Orphanet 167848, MedGen C0878544, MONDO:0004994, HP:0001638. Inheritance: Various modes of inheritance.

Allele frequency attached by ClinVar (database versions not stated): TOPMed 0.00001; gnomAD 0.00002 and 0.00003; gnomAD exomes 0.00002 and 0.00004; ExAC 0.00005.
gnomAD v4.1: 33 of 1,613,918 alleles (0.002%); highest among the groups gnomAD compares: South Asian, 0.016%; no homozygotes.

Submissions (10):

Women's Health and Genetics/Laboratory Corporation of America, LabCorp
Classification: Uncertain significance. Last evaluated: 2026-06-16. Review status: criteria provided, single submitter. Criteria: LabCorp Variant Classification Summary - May 2015. Collection method: clinical testing. Allele origin: germline.
Comment: Variant summary: DSP c.1903+4G>A alters a conserved nucleotide located close to a canonical splice site and therefore could affect mRNA splicing, leading to a significantly altered protein sequence. Consensus agreement among computation tools predict no significant impact on normal splicing. However, these predictions have yet to be confirmed by functional studies. The variant allele was found at a frequency of 4e-05 in 250844 control chromosomes. This frequency is not significantly higher than estimated for disease-causing variants in DSP, allowing no conclusion about variant significance. To our knowledge, no occurrence of c.1903+4G>A in individuals affected with DSP-related conditions and no experimental evidence demonstrating its impact on protein function have been reported. ClinVar contains an entry for this variant (Variation ID: 908965). Based on the evidence outlined above, the variant was classified as uncertain significance.

Labcorp Genetics (formerly Invitae), Labcorp
Classification: Uncertain significance for Arrhythmogenic cardiomyopathy with wooly hair and keratoderma; Arrhythmogenic right ventricular dysplasia 8. Last evaluated: 2024-10-16. Review status: criteria provided, single submitter. Criteria: Invitae Variant Classification Sherloc (09022015). Collection method: clinical testing. Allele origin: germline.
Comment: This sequence change falls in intron 14 of the DSP gene. It does not directly change the encoded amino acid sequence of the DSP protein. It affects a nucleotide within the consensus splice site. This variant is present in population databases (rs757726608, gnomAD 0.02%). This variant has not been reported in the literature in individuals affected with DSP-related conditions. ClinVar contains an entry for this variant (Variation ID: 908965). Variants that disrupt the consensus splice site are a relatively common cause of aberrant splicing (PMID: 17576681, 9536098). Algorithms developed to predict the effect of sequence changes on RNA splicing suggest that this variant is not likely to affect RNA splicing. In summary, the available evidence is currently insufficient to determine the role of this variant in disease. Therefore, it has been classified as a Variant of Uncertain Significance.

Ambry Genetics
Classification: Uncertain significance for Cardiovascular phenotype. Last evaluated: 2024-03-06. Review status: criteria provided, single submitter. Criteria: Ambry Variant Classification Scheme 2023. Collection method: clinical testing. Allele origin: germline.
Comment: The c.1903+4G>A intronic variant results from a G to A substitution 4 nucleotides after coding exon 14 in the DSP gene. This nucleotide position is poorly conserved in available vertebrate species. In silico splice site analysis predicts that this alteration will not have any significant effect on splicing. Since supporting evidence is limited at this time, the clinical significance of this alteration remains unclear.

CeGaT Center for Human Genetics Tuebingen
Classification: Likely benign. Last evaluated: 2023-11-01. Review status: criteria provided, single submitter. Criteria: CeGaT Center For Human Genetics Tuebingen Variant Classification Criteria Version 2. Collection method: clinical testing. Allele origin: germline. Affected: yes. Observed: 1 variant allele.
Comment: DSP: BP4

Color Diagnostics, LLC DBA Color Health
Classification: Likely benign for Cardiomyopathy. Last evaluated: 2019-02-25. Review status: criteria provided, single submitter. Criteria: ACMG Guidelines, 2015. Collection method: clinical testing. Allele origin: germline.

Illumina Laboratory Services, Illumina
Classification: Uncertain significance for Arrhythmogenic cardiomyopathy with wooly hair and keratoderma. Last evaluated: 2018-01-13. Review status: criteria provided, single submitter. Criteria: ICSL Variant Classification Criteria 13 December 2019. Collection method: clinical testing. Allele origin: germline.

Illumina Laboratory Services, Illumina
Classification: Uncertain significance for Lethal acantholytic epidermolysis bullosa. Last evaluated: 2018-01-13. Review status: criteria provided, single submitter. Criteria: ICSL Variant Classification Criteria 13 December 2019. Collection method: clinical testing. Allele origin: germline.

Illumina Laboratory Services, Illumina
Classification: Uncertain significance for Arrhythmogenic right ventricular dysplasia 8. Last evaluated: 2018-01-13. Review status: criteria provided, single submitter. Criteria: ICSL Variant Classification Criteria 13 December 2019. Collection method: clinical testing. Allele origin: germline.

Clinical Genetics, Academic Medical Center
Classification: Benign. Review status: no assertion criteria provided. Collection method: clinical testing. Allele origin: germline. Affected: yes. Study: VKGL Data-share Consensus. Not counted in ClinVar's aggregate classification.

Genome Diagnostics Laboratory, University Medical Center Utrecht
Classification: Likely benign. Review status: no assertion criteria provided. Collection method: clinical testing. Allele origin: germline. Affected: yes. Study: VKGL Data-share Consensus. Not counted in ClinVar's aggregate classification.

Literature cited by the submitters: PubMed 17576681 (cited by Labcorp Genetics (formerly Invitae), Labcorp); PubMed 9536098 (cited by Labcorp Genetics (formerly Invitae), Labcorp).